The following is an entry in ClinVar:

NM_000814.6(GABRB3):c.1327A>T (p.Thr443Ser)

Gene: GABRB3 (gamma-aminobutyric acid type A receptor subunit beta3; minus strand). Cytogenetic location: 15q12.
Variant type: single nucleotide variant.
Coding change: c.1327A>T on transcript NM_000814.6 (MANE Select); coding-DNA position 1327, A replaced by T.
Protein change: p.Thr443Ser; replaces threonine 443 with serine.
Molecular consequence: missense variant.
Genome position (GRCh38, 1-based): chr15:26,547,888, T>A on the plus strand (A>T on the coding strand, the complement: GABRB3 is on the minus strand). VCF-style: chr15-26547888-T-A. GRCh37 (hg19) VCF-style: chr15-26793035-T-A.
Other names: c.1072A>T, p.Thr358Ser (NM_001191320.2, NM_001278631.2); c.1114A>T, p.Thr372Ser (NM_001191321.3); c.1327A>T, p.Thr443Ser (NM_021912.5); short protein forms T358S, T372S, T443S.
Identifiers: ClinVar variation 1410747 (VCV001410747.7), dbSNP rs1218316231, ClinGen allele CA391458599.
Genomic context (GRCh38, chr15:26,547,888, plus strand): 5'-AAAGAGAAAAAGTGAATGGAAACACGATCCTGGACCATCTGTCTATGGCATTCACATCGG[T>A]TAGATCAGGTATTTTAATTTTGAGCTGTGAAGACCTCCTCCGTAGATGGGTCTTCTTGTG-3'
Protein context (NP_000805.1, residues 433-453): SQLKIKIPDL[Thr443Ser]DVNAIDRWSR

ClinVar aggregate classification (germline): Uncertain significance. Review status: criteria provided, multiple submitters, no conflicts (2 of 4 stars). 2 submissions from 2 submitters: Uncertain significance (2). Last evaluated 2024-04-17.

Conditions:
Epilepsy, childhood absence, susceptibility to, 1. Also called: Epilepsy, childhood absence 1. Identifiers: Orphanet 64280, MedGen C1838604, MONDO:0020759, OMIM 600131.
Epilepsy, childhood absence, susceptibility to, 5. Identifiers: Orphanet 64280, MedGen C2677087, MONDO:0012843, OMIM 612269.

Allele frequency attached by ClinVar (database versions not stated): gnomAD 0.00001; TOPMed 0.00001.
gnomAD v4.1: 1 of 1,613,862 alleles (0.000062%); highest among the groups gnomAD compares: African/African-American, 0.0013%; no homozygotes.

Submissions (2):

Labcorp Genetics (formerly Invitae), Labcorp
Classification: Uncertain significance for Epilepsy, childhood absence, susceptibility to, 5; Epilepsy, childhood absence, susceptibility to, 1. Last evaluated: 2024-04-17. Review status: criteria provided, single submitter. Criteria: Invitae Variant Classification Sherloc (09022015). Collection method: clinical testing. Allele origin: germline.
Comment: This sequence change replaces threonine, which is neutral and polar, with serine, which is neutral and polar, at codon 443 of the GABRB3 protein (p.Thr443Ser). This variant is not present in population databases (gnomAD no frequency). This variant has not been reported in the literature in individuals affected with GABRB3-related conditions. ClinVar contains an entry for this variant (Variation ID: 1410747). Advanced modeling of protein sequence and biophysical properties (such as structural, functional, and spatial information, amino acid conservation, physicochemical variation, residue mobility, and thermodynamic stability) performed at Invitae indicates that this missense variant is not expected to disrupt GABRB3 protein function with a negative predictive value of 95%. In summary, the available evidence is currently insufficient to determine the role of this variant in disease. Therefore, it has been classified as a Variant of Uncertain Significance.

GeneDx
Classification: Uncertain significance. Last evaluated: 2022-02-10. Review status: criteria provided, single submitter. Criteria: GeneDx Variant Classification Process June 2021. Collection method: clinical testing. Allele origin: germline. Affected: yes.
Comment: Not observed at significant frequency in large population cohorts (gnomAD); In silico analysis supports that this missense variant does not alter protein structure/function; Has not been previously published as pathogenic or benign to our knowledge